The following is an entry in ClinVar:

ClinVar aggregate classification (germline): Conflicting classifications of pathogenicity. Review status: criteria provided, conflicting classifications (1 of 4 stars). 3 submissions from 3 submitters: Uncertain significance (2); Likely benign (1). Last evaluated 2025-12-10.

Conditions:
Epidermolysis bullosa simplex with nail dystrophy (EBS5D). Identifiers: MedGen C4225309, MONDO:0014661, OMIM 616487.
Autosomal recessive limb-girdle muscular dystrophy type 2Q (LGMDR17). Also called: MUSCULAR DYSTROPHY, LIMB-GIRDLE, AUTOSOMAL RECESSIVE 17. Identifiers: Orphanet 254361, MedGen C3150989, MONDO:0013390, OMIM 613723.
Epidermolysis bullosa simplex 5B, with muscular dystrophy (EBS5B). Also called: EPIDERMOLYSIS BULLOSA SIMPLEX AND LIMB-GIRDLE MUSCULAR DYSTROPHY; Epidermolysis bullosa simplex with muscular dystrophy. Identifiers: Orphanet 257, MedGen C2931072, MONDO:0009181, OMIM 226670.
Epidermolysis bullosa simplex, Ogna type (EBS5A). Also called: Pidermolysis bullosa simplex 5A, Ogna type; EPIDERMOLYSIS BULLOSA SIMPLEX 5A, OGNA TYPE. Identifiers: Orphanet 79401, MedGen C0432317, MONDO:0007555, OMIM 131950.
Epidermolysis bullosa simplex 5C, with pyloric atresia (EBS5C). Also called: PLEC-Related Epidermolysis Bullosa with Pyloric Atresia; PLEC1-Related Epidermolysis Bullosa with Pyloric Atresia; Epidermolysis bullosa simplex with pyloric atresia. Identifiers: Orphanet 158684, MedGen C2677349, MONDO:0012807, OMIM 612138.

Allele frequency attached by ClinVar (database versions not stated): gnomAD 0.00001 and 0.00002; gnomAD exomes 0.00001; TOPMed 0.00002; ExAC 0.00003; 1000 Genomes Project 30x 0.00016.
gnomAD v4.1: 21 of 1,566,766 alleles (0.0013%); highest among the groups gnomAD compares: East Asian, 0.007%; no homozygotes.

Submissions (3):

Labcorp Genetics (formerly Invitae), Labcorp
Classification: Uncertain significance for Autosomal recessive limb-girdle muscular dystrophy type 2Q; Epidermolysis bullosa simplex, Ogna type; Epidermolysis bullosa simplex with nail dystrophy; Epidermolysis bullosa simplex 5C, with pyloric atresia; Epidermolysis bullosa simplex 5B, with muscular dystrophy. Last evaluated: 2025-12-10. Review status: criteria provided, single submitter. Criteria: Invitae Variant Classification Sherloc (09022015). Collection method: clinical testing. Allele origin: germline.
Comment: This sequence change replaces arginine, which is basic and polar, with tryptophan, which is neutral and slightly polar, at codon 1400 of the PLEC protein (p.Arg1400Trp). The frequency data for this variant in the population databases is considered unreliable, as metrics indicate poor data quality at this position in the gnomAD database. This variant has not been reported in the literature in individuals affected with PLEC-related conditions. ClinVar contains an entry for this variant (Variation ID: 429481). Invitae Evidence Modeling of protein sequence and biophysical properties (such as structural, functional, and spatial information, amino acid conservation, physicochemical variation, residue mobility, and thermodynamic stability) has been performed for this missense variant. However, the output from this modeling did not meet the statistical confidence thresholds required to predict the impact of this variant on PLEC protein function. In summary, the available evidence is currently insufficient to determine the role of this variant in disease. Therefore, it has been classified as a Variant of Uncertain Significance.

GeneDx
Classification: Likely benign. Last evaluated: 2018-01-23. Review status: criteria provided, single submitter. Criteria: GeneDx Variant Classification (06012015). Collection method: clinical testing. Allele origin: germline. Affected: yes.
Comment: This variant is considered likely benign or benign based on one or more of the following criteria: it is a conservative change, it occurs at a poorly conserved position in the protein, it is predicted to be benign by multiple in silico algorithms, and/or has population frequency not consistent with disease.

Eurofins Ntd Llc (ga)
Classification: Uncertain significance. Last evaluated: 2017-02-08. Review status: criteria provided, single submitter. Criteria: EGL Classification Definitions 2015. Collection method: clinical testing. Allele origin: germline. Observed: 1 variant allele, 1 heterozygote.

NM_201384.3(PLEC):c.4117C>T (p.Arg1373Trp)

Gene: PLEC (plectin; minus strand). Cytogenetic location: 8q24.3.
Variant type: single nucleotide variant.
Coding change: c.4117C>T on transcript NM_201384.3 (MANE Select); coding-DNA position 4117, C replaced by T.
Protein change: p.Arg1373Trp; replaces arginine 1373 with tryptophan.
Molecular consequence: missense variant.
Genome position (GRCh38, 1-based): chr8:143,925,812, G>A on the plus strand (C>T on the coding strand, the complement: PLEC is on the minus strand). VCF-style: chr8-143925812-G-A. GRCh37 (hg19) VCF-style: chr8-144999980-G-A.
Other names: c.4198C>T, p.Arg1400Trp (NM_000445.5); c.4075C>T, p.Arg1359Trp (NM_201378.4); c.4051C>T, p.Arg1351Trp (NM_201379.3); c.4528C>T, p.Arg1510Trp (NM_201380.4); c.4021C>T, p.Arg1341Trp (NM_201381.3); c.4117C>T, p.Arg1373Trp (NM_201382.4); c.4129C>T, p.Arg1377Trp (NM_201383.3); short protein forms R1341W, R1351W, R1359W, R1373W, R1377W, R1400W, R1510W.
Identifiers: ClinVar variation 429481 (VCV000429481.11), dbSNP rs782378494, ClinGen allele CA4926764.